The following is an entry in ClinVar:

ClinVar aggregate classification (germline): Pathogenic. Review status: criteria provided, multiple submitters, no conflicts (2 of 4 stars). 5 submissions from 5 submitters: Pathogenic (4). 1 of the submissions does not count toward it. Last evaluated 2026-03-25.

Conditions:
Hereditary spastic paraplegia 4. Also called: Spastic paraplegia 4, autosomal dominant; Spastic Paraplegia 4; Familial spastic paraplegia autosomal dominant 2. Identifiers: Orphanet 100985, MedGen C1866855, MONDO:0008438, OMIM 182601.

Submissions (5):

GeneDx
Classification: Pathogenic. Last evaluated: 2026-03-25. Review status: criteria provided, single submitter. Criteria: GeneDx Variant Classification Process June 2021. Collection method: clinical testing. Allele origin: germline.
Comment: Not observed at significant frequency in large population cohorts (gnomAD); In silico analysis supports a deleterious effect on protein structure/function; In-frame deletion of 1 amino acid in a non-repeat region; This variant is associated with the following publications: (PMID: 23238845, 26837615, 40533913, 39273593, 34114234, 31594988, 21139634, 26094131, 33446253)

Labcorp Genetics (formerly Invitae), Labcorp
Classification: Pathogenic for Hereditary spastic paraplegia 4. Last evaluated: 2025-03-21. Review status: criteria provided, single submitter. Criteria: Invitae Variant Classification Sherloc (09022015). Collection method: clinical testing. Allele origin: germline.
Comment: This variant, c.1253_1255del, results in the deletion of 1 amino acid(s) of the SPAST protein (p.Glu418del), but otherwise preserves the integrity of the reading frame. This variant is not present in population databases (gnomAD no frequency). This variant has been observed in individual(s) with SPAST-related conditions (PMID: 23238845, 33446253, 34114234). In at least one individual the variant was observed to be de novo. ClinVar contains an entry for this variant (Variation ID: 617765). This variant disrupts a region of the SPAST protein in which other variant(s) (p.Glu418Lys) have been determined to be pathogenic (PMID: 31594988; internal data). This suggests that this is a clinically significant region of the protein, and that variants that disrupt it are likely to be disease-causing. For these reasons, this variant has been classified as Pathogenic.

Institute of Human Genetics Munich, TUM University Hospital
Classification: Pathogenic for Hereditary spastic paraplegia 4. Last evaluated: 2024-11-12. Review status: criteria provided, single submitter. Criteria: Classification criteria August 2017. Collection method: clinical testing. Allele origin: de novo. Inheritance: Autosomal dominant inheritance. Affected: yes. Observed: 1 variant allele.

CeGaT Center for Human Genetics Tuebingen
Classification: Pathogenic. Last evaluated: 2017-04-01. Review status: criteria provided, single submitter. Criteria: CeGaT Center For Human Genetics Tuebingen Variant Classification Criteria Version 2. Collection method: clinical testing. Allele origin: germline. Affected: yes. Observed: 1 variant allele.

Department of Rehabilitation Medicine, Incheon St. Mary’s Hospital, College of Medicine, The Catholic University of Korea
Classification: Pathogenic for Hereditary spastic paraplegia 4. Last evaluated: 2019-02-11. Review status: no assertion criteria provided. Collection method: research. Allele origin: de novo. Inheritance: Autosomal dominant inheritance. Affected: yes. Observed: 1 heterozygote. Not counted in ClinVar's aggregate classification.

Literature cited by the submitters: PubMed 23238845 (cited by Labcorp Genetics (formerly Invitae), Labcorp); PubMed 33446253 (cited by Labcorp Genetics (formerly Invitae), Labcorp); PubMed 34114234 (cited by Labcorp Genetics (formerly Invitae), Labcorp); PubMed 31594988 (cited by Labcorp Genetics (formerly Invitae), Labcorp).

NM_014946.4(SPAST):c.1253_1255del (p.Glu418del)

Gene: SPAST (spastin; plus strand). Cytogenetic location: 2p22.3.
Variant type: Deletion.
Coding change: c.1253_1255del on transcript NM_014946.4 (MANE Select); coding-DNA positions 1253 to 1255, 3 bases deleted (AAG; older notation c.1253_1255delAAG).
Protein change: p.Glu418del; deletes glutamic acid 418.
Molecular consequence: inframe deletion.
Genome position (GRCh38, 1-based): chr2:32,136,570-32,136,572, AAG deleted; deleting any 3 consecutive bases within chr2:32,136,568-32,136,572 gives the same sequence; the c. name uses the placement nearest the transcript's 3' end. VCF-style (leftmost placement, unchanged base first): chr2-32136567-GAGA-G. GRCh37 (hg19) VCF-style: chr2-32361636-GAGA-G.
Other names: c.1250_1252del, p.Glu417del (NM_001363823.2); c.1154_1156del, p.Glu385del (NM_001363875.2); c.1157_1159del, p.Glu386del (NM_001377959.1, NM_199436.2); short protein forms E418del, E417del, E385del, E386del.
Identifiers: ClinVar variation 617765 (VCV000617765.51), dbSNP rs1558336544, ClinGen allele CA913190206.